The following is an entry in ClinVar:

NM_001101426.4(CRPPA):c.95T>C (p.Leu32Pro)

Genes: CRPPA (CDP-L-ribitol pyrophosphorylase A; minus strand), LOC129998005 (ATAC-STARR-seq lymphoblastoid silent region 17982; plus strand). Cytogenetic location: 7p21.2.
Variant type: single nucleotide variant.
Coding change: c.95T>C on transcript NM_001101426.4 (MANE Select); coding-DNA position 95, T replaced by C.
Protein change: p.Leu32Pro; replaces leucine 32 with proline.
Molecular consequence: missense variant. On other transcripts: non-coding transcript variant (1).
Genome position (GRCh38, 1-based): chr7:16,421,228, A>G on the plus strand (T>C on the coding strand, the complement: CRPPA is on the minus strand). VCF-style: chr7-16421228-A-G. GRCh37 (hg19) VCF-style: chr7-16460853-A-G.
Other names: c.95T>C, p.Leu32Pro (NM_001101417.4, NM_001368197.1); short protein forms L32P.
Identifiers: ClinVar variation 1680813 (VCV001680813.7), dbSNP rs1020950940, ClinGen allele CA154766866.

ClinVar aggregate classification (germline): Uncertain significance. Review status: criteria provided, multiple submitters, no conflicts (2 of 4 stars). 2 submissions from 2 submitters: Uncertain significance (2). Last evaluated 2023-09-23.

Conditions:
Muscular dystrophy-dystroglycanopathy (congenital with brain and eye anomalies), type A, 7. Also called: WALKER-WARBURG SYNDROME OR MUSCLE-EYE-BRAIN DISEASE, ISPD-RELATED; Congenital muscular dystrophy-dystroglycanopathy with brain and eye anomalies, type A7. Identifiers: Orphanet 899, MedGen C3553330, MONDO:0013835, OMIM 614643.
Autosomal recessive limb-girdle muscular dystrophy type 2U. Also called: Muscular dystrophy-dystroglycanopathy (limb-girdle), type c, 7; MUSCULAR DYSTROPHY, LIMB-GIRDLE, TYPE 2U. Identifiers: Orphanet 352479, MedGen C5190987, MONDO:0014474, OMIM 616052.

Allele frequency attached by ClinVar (database versions not stated): gnomAD 0.00001; gnomAD exomes 0.00001; TOPMed 0.00001.
gnomAD v4.1: 13 of 1,334,322 alleles (0.00097%); highest among the groups gnomAD compares: Non-Finnish European, 0.0013%; no homozygotes.

Submissions (2):

Revvity Omics, Revvity
Classification: Uncertain significance. Last evaluated: 2023-09-23. Review status: criteria provided, single submitter. Criteria: ACMG Guidelines, 2015. Collection method: clinical testing. Allele origin: germline.

Labcorp Genetics (formerly Invitae), Labcorp
Classification: Uncertain significance for Muscular dystrophy-dystroglycanopathy (congenital with brain and eye anomalies), type A, 7; Autosomal recessive limb-girdle muscular dystrophy type 2U. Last evaluated: 2021-11-23. Review status: criteria provided, single submitter. Criteria: Invitae Variant Classification Sherloc (09022015). Collection method: clinical testing. Allele origin: germline.
Comment: This variant has not been reported in the literature in individuals affected with ISPD-related conditions. In summary, the available evidence is currently insufficient to determine the role of this variant in disease. Therefore, it has been classified as a Variant of Uncertain Significance. Algorithms developed to predict the effect of missense changes on protein structure and function output the following: SIFT: "Tolerated"; PolyPhen-2: "Benign"; Align-GVGD: "Class C0". The proline amino acid residue is found in multiple mammalian species, which suggests that this missense change does not adversely affect protein function. This variant is not present in population databases (gnomAD no frequency). This sequence change replaces leucine, which is neutral and non-polar, with proline, which is neutral and non-polar, at codon 32 of the ISPD protein (p.Leu32Pro).